The following is an entry in ClinVar:

ClinVar aggregate classification (germline): Uncertain significance (1 of 4 stars; one submission).

Conditions:
Dyskeratosis congenita. Identifiers: Orphanet 1775, MedGen C0265965, MONDO:0015780.

Submission:

Ambry Genetics
Classification: Uncertain significance for Dyskeratosis congenita. Last evaluated: 2026-02-15. Review status: criteria provided, single submitter. Criteria: Ambry Variant Classification Scheme 2023. Collection method: clinical testing. Allele origin: germline.
Comment: The p.F645L variant (also known as c.1933T>C), located in coding exon 4 of the TERT gene, results from a T to C substitution at nucleotide position 1933. The phenylalanine at codon 645 is replaced by leucine, an amino acid with highly similar properties. This amino acid position is conserved. In addition, this alteration is predicted to be tolerated by in silico analysis. Based on the available evidence, the clinical significance of this variant remains unclear.

NM_198253.3(TERT):c.1933T>C (p.Phe645Leu)

Gene: TERT (telomerase reverse transcriptase; minus strand). Cytogenetic location: 5p15.33.
Variant type: single nucleotide variant.
Coding change: c.1933T>C on transcript NM_198253.3 (MANE Select); coding-DNA position 1933, T replaced by C.
Protein change: p.Phe645Leu; replaces phenylalanine 645 with leucine.
Molecular consequence: missense variant. On other transcripts: non-coding transcript variant (2).
Genome position (GRCh38, 1-based): chr5:1,280,175, A>G on the plus strand (T>C on the coding strand, the complement: TERT is on the minus strand). VCF-style: chr5-1280175-A-G. GRCh37 (hg19) VCF-style: chr5-1280290-A-G.
Other names: c.1933T>C, p.Phe645Leu (NM_001193376.3); short protein forms F645L.
Identifiers: ClinVar variation 4825595 (VCV004825595.1).